The following is an entry in ClinVar:

ClinVar aggregate classification (germline): Benign. Review status: criteria provided, single submitter (1 of 4 stars). 2 submissions from 2 submitters: Benign (1). 1 of the submissions does not count toward it. Last evaluated 2018-08-16.

Conditions:
HAVCR1-related disorder. Also called: HAVCR1-related condition.

Allele frequency attached by ClinVar (database versions not stated): gnomAD exomes 0.00502; ExAC 0.00598; gnomAD 0.02048 and 0.02204; ESP Exome Variant Server 0.02049; TOPMed 0.02319; 1000 Genomes Project 0.02356.
gnomAD v4.1: 6,105 of 1,603,226 alleles (0.38%); highest among the groups gnomAD compares: African/African-American, 7.1%; 201 homozygotes.

Submissions (2):

Labcorp Genetics (formerly Invitae), Labcorp
Classification: Benign. Last evaluated: 2018-08-16. Review status: criteria provided, single submitter. Criteria: Invitae Variant Classification Sherloc (09022015). Collection method: clinical testing. Allele origin: germline.

PreventionGenetics, part of Exact Sciences
Classification: Benign for HAVCR1-related condition. Last evaluated: 2019-05-21. Review status: no assertion criteria provided. Collection method: clinical testing. Allele origin: germline. Not counted in ClinVar's aggregate classification.
Comment: This variant is classified as benign based on ACMG/AMP sequence variant interpretation guidelines (Richards et al. 2015 PMID: 25741868, with internal and published modifications).

NM_001173393.3(HAVCR1):c.557C>T (p.Thr186Met)

Gene: HAVCR1 (hepatitis A virus cellular receptor 1; minus strand). Cytogenetic location: 5q33.3.
Variant type: single nucleotide variant.
Coding change: c.557C>T on transcript NM_001173393.3 (MANE Select); coding-DNA position 557, C replaced by T.
Protein change: p.Thr186Met; replaces threonine 186 with methionine.
Molecular consequence: missense variant.
Genome position (GRCh38, 1-based): chr5:157,052,477, G>A on the plus strand (C>T on the coding strand, the complement: HAVCR1 is on the minus strand). VCF-style: chr5-157052477-G-A. GRCh37 (hg19) VCF-style: chr5-156479488-G-A.
Other names: c.557C>T, p.Thr186Met (NM_001308156.2, NM_012206.3); short protein forms T186M.
Identifiers: ClinVar variation 783620 (VCV000783620.5), dbSNP rs73815912, ClinGen allele CA3531553.